The following is an entry in ClinVar:

NM_000059.4(BRCA2):c.3743G>A (p.Ser1248Asn)

Gene: BRCA2 (BRCA2 DNA repair associated; plus strand). Cytogenetic location: 13q13.1.
Variant type: single nucleotide variant.
Coding change: c.3743G>A on transcript NM_000059.4 (MANE Select); coding-DNA position 3743, G replaced by A.
Protein change: p.Ser1248Asn; replaces serine 1248 with asparagine.
Molecular consequence: missense variant.
Genome position (GRCh38, 1-based): chr13:32,338,098, G>A. VCF-style: chr13-32338098-G-A. GRCh37 (hg19) VCF-style: chr13-32912235-G-A.
Other names: c.3743G>A, p.Ser1248Asn (NM_001406719.1, NM_001406720.1); short protein forms S1248N.
Identifiers: ClinVar variation 1734491 (VCV001734491.6), dbSNP rs1555283383, ClinGen allele CA387778157.

ClinVar aggregate classification (germline): Conflicting classifications of pathogenicity. Review status: criteria provided, conflicting classifications (1 of 4 stars). 3 submissions from 3 submitters: Uncertain significance (2); Likely benign (1). Last evaluated 2025-12-21.

Conditions:
Hereditary cancer-predisposing syndrome. Also called: Neoplastic Syndromes, Hereditary; Tumor predisposition; Hereditary Cancer Syndrome; Hereditary neoplastic syndrome. Identifiers: Orphanet 140162, MedGen C0027672, MeSH D009386, MONDO:0015356.
Hereditary breast ovarian cancer syndrome. Also called: Hereditary breast and ovarian cancer syndrome; Breast and ovarian cancer; Hereditary breast and/or ovarian cancer syndrome; Hereditary breast and ovarian cancer; BRCA1- and BRCA2-Associated Hereditary Breast and Ovarian Cancer; Hereditary breast and ovarian cancer syndrome (HBOC). Identifiers: Orphanet 145, MedGen C0677776, MeSH D061325, MONDO:0003582. Disease mechanism: loss of function.

Submissions (3):

Labcorp Genetics (formerly Invitae), Labcorp
Classification: Uncertain significance for Hereditary breast ovarian cancer syndrome. Last evaluated: 2025-12-21. Review status: criteria provided, single submitter. Criteria: Invitae Variant Classification Sherloc (09022015). Collection method: clinical testing. Allele origin: germline.
Comment: This sequence change replaces serine, which is neutral and polar, with asparagine, which is neutral and polar, at codon 1248 of the BRCA2 protein (p.Ser1248Asn). This variant is not present in population databases (gnomAD no frequency). This missense change has been observed in individual(s) with breast cancer (PMID: 25777348). ClinVar contains an entry for this variant (Variation ID: 1734491). Invitae Evidence Modeling of protein sequence and biophysical properties (such as structural, functional, and spatial information, amino acid conservation, physicochemical variation, residue mobility, and thermodynamic stability) indicates that this missense variant is not expected to disrupt BRCA2 protein function with a negative predictive value of 95%. In summary, the available evidence is currently insufficient to determine the role of this variant in disease. Therefore, it has been classified as a Variant of Uncertain Significance.

Ambry Genetics
Classification: Uncertain significance for Hereditary cancer-predisposing syndrome. Last evaluated: 2024-06-22. Review status: criteria provided, single submitter. Criteria: Ambry Variant Classification Scheme 2023. Collection method: clinical testing. Allele origin: germline.
Comment: The p.S1248N variant (also known as c.3743G>A), located in coding exon 10 of the BRCA2 gene, results from a G to A substitution at nucleotide position 3743. The serine at codon 1248 is replaced by asparagine, an amino acid with highly similar properties. This alteration has been reported as a variant of unknown significance in a cohort of 250 Lebanese women with breast cancer (El Saghir NS et al. Oncologist, 2015 Apr;20:357-64). This amino acid position is not well conserved in available vertebrate species. In addition, this alteration is predicted to be tolerated by in silico analysis. Since supporting evidence is limited at this time, the clinical significance of this alteration remains unclear.

University of Washington Department of Laboratory Medicine, University of Washington
Classification: Likely benign for Hereditary cancer-predisposing syndrome. Last evaluated: 2023-03-23. Review status: criteria provided, single submitter. Criteria: Dines et al. (Genet Med. 2020). Collection method: curation. Allele origin: germline.
Comment: Missense variant in a coldspot region where missense variants are very unlikely to be pathogenic (PMID:31911673).

BRCA2 exon 11 coldspot. Reclassification based on statistical prior probability.

Literature cited by the submitters: PubMed 25777348 (cited by Labcorp Genetics (formerly Invitae), Labcorp and Ambry Genetics).